The following is an entry in ClinVar:

ClinVar aggregate classification (germline): Conflicting classifications of pathogenicity. Review status: criteria provided, conflicting classifications (1 of 4 stars). 2 submissions from 2 submitters: Uncertain significance (1); Likely benign (1). Last evaluated 2025-05-15.

Conditions:
Hypertrophic cardiomyopathy. Also called: HYPERTROPHIC MYOCARDIOPATHY. Identifiers: Orphanet 217569, MedGen C0007194, MeSH D002312, MONDO:0005045, HP:0001639.
Cardiovascular phenotype. Identifiers: MedGen CN230736.

Allele frequency attached by ClinVar (database versions not stated): ESP Exome Variant Server 0.00008.

Submissions (2):

Labcorp Genetics (formerly Invitae), Labcorp
Classification: Uncertain significance for Hypertrophic cardiomyopathy. Last evaluated: 2025-05-15. Review status: criteria provided, single submitter. Criteria: Invitae Variant Classification Sherloc (09022015). Collection method: clinical testing. Allele origin: germline.
Comment: This sequence change replaces alanine, which is neutral and non-polar, with threonine, which is neutral and polar, at codon 273 of the JPH2 protein (p.Ala273Thr). This variant is present in population databases (rs371565133, gnomAD 0.03%). This variant has not been reported in the literature in individuals affected with JPH2-related conditions. ClinVar contains an entry for this variant (Variation ID: 2080061). An algorithm developed to predict the effect of missense changes on protein structure and function outputs the following: PolyPhen-2: "Benign". The threonine amino acid residue is found in multiple mammalian species, which suggests that this missense change does not adversely affect protein function. In summary, the available evidence is currently insufficient to determine the role of this variant in disease. Therefore, it has been classified as a Variant of Uncertain Significance.

Ambry Genetics
Classification: Likely benign for Cardiovascular phenotype. Last evaluated: 2024-03-25. Review status: criteria provided, single submitter. Criteria: Ambry Variant Classification Scheme 2023. Collection method: clinical testing. Allele origin: germline.

NM_020433.5(JPH2):c.817G>A (p.Ala273Thr)

Gene: JPH2 (junctophilin 2; minus strand). Cytogenetic location: 20q13.12.
Variant type: single nucleotide variant.
Coding change: c.817G>A on transcript NM_020433.5 (MANE Select); coding-DNA position 817, G replaced by A.
Protein change: p.Ala273Thr; replaces alanine 273 with threonine.
Molecular consequence: missense variant.
Genome position (GRCh38, 1-based): chr20:44,159,970, C>T on the plus strand (G>A on the coding strand, the complement: JPH2 is on the minus strand). VCF-style: chr20-44159970-C-T. GRCh37 (hg19) VCF-style: chr20-42788610-C-T.
Other names: short protein forms A273T.
Identifiers: ClinVar variation 2080061 (VCV002080061.7), dbSNP rs371565133, ClinGen allele CA9868811.